The following is an entry in ClinVar:

NM_001355436.2(SPTB):c.3455C>G (p.Ala1152Gly)

Gene: SPTB (spectrin beta, erythrocytic; minus strand). Cytogenetic location: 14q23.3.
Variant type: single nucleotide variant.
Coding change: c.3455C>G on transcript NM_001355436.2 (MANE Select); coding-DNA position 3455, C replaced by G.
Protein change: p.Ala1152Gly; replaces alanine 1152 with glycine.
Molecular consequence: missense variant.
Genome position (GRCh38, 1-based): chr14:64,786,510, G>C on the plus strand (C>G on the coding strand, the complement: SPTB is on the minus strand). VCF-style: chr14-64786510-G-C. GRCh37 (hg19) VCF-style: chr14-65253228-G-C.
Other names: NM_000347.5:c.3455C>G; c.3455C>G, p.Ala1152Gly (NM_001024858.4, NM_001355437.2); short protein forms A1152G.
Identifiers: ClinVar variation 3322418 (VCV003322418.2).
Genomic context (GRCh38, chr14:64,786,510, plus strand): 5'-TCCTGGAAGCCAAGGCACTGAGCGAGGGTGTGGCTGCGGCTCTCCCACATCCTGCCCAGG[G>C]CATTCCAGCCAGTATCCAGGCCCTCCAGCCGCTGGCCCAGAAGCAGATACTCTGGGTCCG-3'
Protein context (NP_001342365.1, residues 1142-1162): RLEGLDTGWN[Ala1152Gly]LGRMWESRSH

ClinVar aggregate classification (germline): Uncertain significance. Review status: criteria provided, multiple submitters, no conflicts (2 of 4 stars). 2 submissions from 2 submitters: Uncertain significance (2). Last evaluated 2025-01-18.

Conditions:
Inborn genetic diseases. Identifiers: MedGen C0950123, MeSH D030342.

gnomAD v4.1: 18 of 1,613,872 alleles (0.0011%); highest among the groups gnomAD compares: Non-Finnish European, 0.00025%; no homozygotes.

Submissions (2):

ARUP Laboratories, Molecular Genetics and Genomics, ARUP Laboratories
Classification: Uncertain significance. Last evaluated: 2025-01-18. Review status: criteria provided, single submitter. Criteria: ARUP Molecular Germline Variant Investigation Process 2024. Collection method: clinical testing. Allele origin: germline.
Comment: The SPTB c.3455C>G; p.Ala1152Gly variant (rs980602524), to our knowledge, is not reported in the medical literature but is reported in ClinVar (Variation ID: 3322418). This variant is only observed on two alleles in the Genome Aggregation Database (v2.1.1), indicating it is not a common polymorphism. Computational analyses predict that this variant is neutral (REVEL: 0.101). Due to limited information, the clinical significance of this variant is uncertain at this time.

Ambry Genetics
Classification: Uncertain significance for Inborn genetic diseases. Last evaluated: 2024-03-26. Review status: criteria provided, single submitter. Criteria: Ambry Variant Classification Scheme 2023. Collection method: clinical testing. Allele origin: germline.